The following is an entry in ClinVar:

ClinVar aggregate classification (germline): Uncertain significance. Review status: criteria provided, multiple submitters, no conflicts (2 of 4 stars). 3 submissions from 3 submitters: Uncertain significance (3). Last evaluated 2025-12-22.

Conditions:
TRIM32-related disorder. Also called: TRIM32-related condition.
Inborn genetic diseases. Identifiers: MedGen C0950123, MeSH D030342.
Bardet-Biedl syndrome (BBS). Identifiers: Orphanet 110, MedGen C0752166, MONDO:0015229.

Allele frequency attached by ClinVar (database versions not stated): gnomAD 0.00001; gnomAD exomes 0.00001 and below 0.00001; TOPMed below 0.00001.
gnomAD v4.1: 4 of 1,614,072 alleles (0.00025%); highest among the groups gnomAD compares: Non-Finnish European, 0.00034%; no homozygotes.

Submissions (3):

PreventionGenetics, part of Exact Sciences
Classification: Uncertain significance for TRIM32-related condition. Last evaluated: 2025-12-22. Review status: criteria provided, single submitter. Criteria: ACMG Guidelines, 2015. Collection method: clinical testing. Allele origin: germline.
Comment: The TRIM32 c.1081A>T variant is predicted to result in the amino acid substitution p.Met361Leu. To our knowledge, this variant has not been reported in the literature. This variant is reported in 0.00088% of alleles in individuals of European (Non-Finnish) descent in gnomAD. At this time, the clinical significance of this variant is uncertain due to the absence of conclusive functional and genetic evidence.

Ambry Genetics
Classification: Uncertain significance for Inborn genetic diseases. Last evaluated: 2025-02-07. Review status: criteria provided, single submitter. Criteria: Ambry Variant Classification Scheme 2023. Collection method: clinical testing. Allele origin: germline.

Labcorp Genetics (formerly Invitae), Labcorp
Classification: Uncertain significance for Bardet-Biedl syndrome. Last evaluated: 2022-09-01. Review status: criteria provided, single submitter. Criteria: Invitae Variant Classification Sherloc (09022015). Collection method: clinical testing. Allele origin: germline.
Comment: This sequence change replaces methionine, which is neutral and non-polar, with leucine, which is neutral and non-polar, at codon 361 of the TRIM32 protein (p.Met361Leu). This variant is present in population databases (no rsID available, gnomAD 0.0009%). This variant has not been reported in the literature in individuals affected with TRIM32-related conditions. ClinVar contains an entry for this variant (Variation ID: 863495). Algorithms developed to predict the effect of missense changes on protein structure and function are either unavailable or do not agree on the potential impact of this missense change (SIFT: "Deleterious"; PolyPhen-2: "Benign"; Align-GVGD: "Class C0"). In summary, the available evidence is currently insufficient to determine the role of this variant in disease. Therefore, it has been classified as a Variant of Uncertain Significance.

NM_012210.4(TRIM32):c.1081A>T (p.Met361Leu)

Genes: ASTN2 (astrotactin 2; minus strand), TRIM32 (tripartite motif containing 32; plus strand). Cytogenetic location: 9q33.1.
Variant type: single nucleotide variant.
Coding change: c.1081A>T on transcript NM_012210.4 (MANE Select); coding-DNA position 1081, A replaced by T.
Protein change: p.Met361Leu; replaces methionine 361 with leucine.
Molecular consequence: missense variant. On other transcripts: intron variant (3).
Genome position (GRCh38, 1-based): chr9:116,698,823, A>T. VCF-style: chr9-116698823-A-T. GRCh37 (hg19) VCF-style: chr9-119461102-A-T.
Other names: c.1081A>T, p.Met361Leu (NM_001099679.2, NM_001379048.1, NM_001379049.1 and 1 more transcripts); c.2653+26948T>A (NM_014010.5); c.2794+26948T>A (NM_001365069.1); c.2806+26948T>A (NM_001365068.1); short protein forms M361L.
Identifiers: ClinVar variation 863495 (VCV000863495.7), dbSNP rs1262205918, ClinGen allele CA374650912.